The following is an entry in ClinVar:

ClinVar aggregate classification (germline): Pathogenic (1 of 4 stars; one submission).

Conditions:
Ehlers-Danlos syndrome, musculocontractural type 2 (EDSMC2). Identifiers: Orphanet 2953, MedGen C3809845, MONDO:0014236, OMIM 615539.

Submission:

Labcorp Genetics (formerly Invitae), Labcorp
Classification: Pathogenic for Ehlers-Danlos syndrome, musculocontractural type 2. Last evaluated: 2025-09-04. Review status: criteria provided, single submitter. Criteria: Invitae Variant Classification Sherloc (09022015). Collection method: clinical testing. Allele origin: germline.
Comment: This sequence change creates a premature translational stop signal (p.Gln271Asnfs*56) in the DSE gene. It is expected to result in an absent or disrupted protein product. Loss-of-function variants in DSE are known to be pathogenic (PMID: 28229453, 32130795). This variant is not present in population databases (gnomAD no frequency). This variant has not been reported in the literature in individuals affected with DSE-related conditions. For these reasons, this variant has been classified as Pathogenic.

Literature cited by the submitters: PubMed 28229453; PubMed 32130795.

NM_013352.4(DSE):c.811del (p.Gln271fs)

Gene: DSE (dermatan sulfate epimerase; plus strand). Cytogenetic location: 6q22.1.
Variant type: Deletion.
Coding change: c.811del on transcript NM_013352.4 (MANE Select); coding-DNA position 811, one base deleted (C; older notation c.811delC).
Protein change: p.Gln271fs; shifts the reading frame from glutamine 271.
Molecular consequence: frameshift variant. On other transcripts: intron variant (3), non-coding transcript variant (1).
Genome position (GRCh38, 1-based): chr6:116,431,094, C deleted; the last of 2 consecutive C bases (chr6:116,431,093-116,431,094); deleting either gives the same sequence. VCF-style (leftmost placement, unchanged base first): chr6-116431092-TC-T. GRCh37 (hg19) VCF-style: chr6-116752255-TC-T.
Other names: c.670+4267del (NM_001322943.2); c.811del, p.Gln271fs (NM_001080976.3, NM_001322937.2, NM_001322938.2 and 2 more transcripts); c.868del, p.Gln290fs (NM_001322939.2); c.250del, p.Gln84fs (NM_001322940.2, NM_001322941.2); c.-90+37del (NM_001374520.1); c.83+4267del (NM_001374521.1); short protein forms Q271fs, Q290fs, Q84fs.
Identifiers: ClinVar variation 4809221 (VCV004809221.1).